The following is an entry in ClinVar:

ClinVar aggregate classification (germline): Uncertain significance. Review status: criteria provided, multiple submitters, no conflicts (2 of 4 stars). 5 submissions from 5 submitters: Uncertain significance (5). Last evaluated 2024-04-18.

Conditions:
Inborn genetic diseases. Identifiers: MedGen C0950123, MeSH D030342.
Familial hypokalemia-hypomagnesemia (GTLMNS). Also called: gitelman syndrome; HYPOMAGNESEMIA-HYPOKALEMIA, PRIMARY RENOTUBULAR, WITH HYPOCALCIURIA; POTASSIUM AND MAGNESIUM DEPLETION. Identifiers: Orphanet 358, MedGen C0268450, MONDO:0009904, OMIM 263800.

Allele frequency attached by ClinVar (database versions not stated): ESP Exome Variant Server 0.00023.
gnomAD v4.1: 360 of 1,613,916 alleles (0.022%); highest among the groups gnomAD compares: Non-Finnish European, 0.028%; no homozygotes.

Submissions (5):

Fulgent Genetics
Classification: Uncertain significance for Familial hypokalemia-hypomagnesemia. Last evaluated: 2024-04-18. Review status: criteria provided, single submitter. Criteria: ACMG Guidelines, 2015. Collection method: clinical testing. Allele origin: germline.

Labcorp Genetics (formerly Invitae), Labcorp
Classification: Uncertain significance. Last evaluated: 2022-07-18. Review status: criteria provided, single submitter. Criteria: Invitae Variant Classification Sherloc (09022015). Collection method: clinical testing. Allele origin: germline.
Comment: This sequence change replaces glutamic acid, which is acidic and polar, with glutamine, which is neutral and polar, at codon 112 of the SLC12A3 protein (p.Glu112Gln). This variant is present in population databases (rs200219778, gnomAD 0.02%). This variant has not been reported in the literature in individuals affected with SLC12A3-related conditions. ClinVar contains an entry for this variant (Variation ID: 1308886). Advanced modeling of protein sequence and biophysical properties (such as structural, functional, and spatial information, amino acid conservation, physicochemical variation, residue mobility, and thermodynamic stability) performed at Invitae indicates that this missense variant is not expected to disrupt SLC12A3 protein function. In summary, the available evidence is currently insufficient to determine the role of this variant in disease. Therefore, it has been classified as a Variant of Uncertain Significance.

European Hospital Georges Pompidou Genetics Department, Assistance Publique - Hôpitaux de Paris AP-HP
Classification: Uncertain significance for Familial hypokalemia-hypomagnesemia. Last evaluated: 2022-04-27. Review status: criteria provided, single submitter. Criteria: ACMG Guidelines, 2015. Collection method: clinical testing. Allele origin: germline. Affected: yes.
Comment: ACMG criteria used:PM1, PM2,

Ambry Genetics
Classification: Uncertain significance for Inborn genetic diseases. Last evaluated: 2021-12-14. Review status: criteria provided, single submitter. Criteria: Ambry Variant Classification Scheme 2023. Collection method: clinical testing. Allele origin: germline.

GeneDx
Classification: Uncertain significance. Last evaluated: 2019-10-10. Review status: criteria provided, single submitter. Criteria: GeneDx Variant Classification Process June 2021. Collection method: clinical testing. Allele origin: germline. Affected: yes.
Comment: In silico analysis, which includes protein predictors and evolutionary conservation, supports that this variant does not alter protein structure/function; In-silico analysis, which includes splice predictors, is inconclusive as to whether the variant alters gene splicing. In the absence of RNA/functional studies, the actual effect of this sequence change is unknown; Has not been previously published as pathogenic or benign to our knowledge

NM_001126108.2(SLC12A3):c.334G>C (p.Glu112Gln)

Gene: SLC12A3 (solute carrier family 12 member 3; plus strand). Cytogenetic location: 16q13.
Variant type: single nucleotide variant.
Coding change: c.334G>C on transcript NM_001126108.2 (MANE Select); coding-DNA position 334, G replaced by C.
Protein change: p.Glu112Gln; replaces glutamic acid 112 with glutamine.
Molecular consequence: missense variant.
Genome position (GRCh38, 1-based): chr16:56,867,121, G>C. VCF-style: chr16-56867121-G-C. GRCh37 (hg19) VCF-style: chr16-56901033-G-C.
Other names: c.334G>C, p.Glu112Gln (NM_000339.3); c.331G>C, p.Glu111Gln (NM_001126107.2); short protein forms E111Q, E112Q.
Identifiers: ClinVar variation 1308886 (VCV001308886.7), dbSNP rs200219778, ClinGen allele CA8068988.